The following is an entry in ClinVar:

NM_001008537.3(NEXMIF):c.4545C>G (p.Asp1515Glu)

Gene: NEXMIF (neurite extension and migration factor; minus strand). Cytogenetic location: Xq13.3.
Variant type: single nucleotide variant.
Coding change: c.4545C>G on transcript NM_001008537.3 (MANE Select); coding-DNA position 4545, C replaced by G.
Protein change: p.Asp1515Glu; replaces aspartic acid 1515 with glutamic acid.
Molecular consequence: missense variant.
Genome position (GRCh38, 1-based): chrX:74,739,411, G>C on the plus strand (C>G on the coding strand, the complement: NEXMIF is on the minus strand). VCF-style: chrX-74739411-G-C. GRCh37 (hg19) VCF-style: chrX-73959246-G-C.
Other names: short protein forms D1515E.
Identifiers: ClinVar variation 1406261 (VCV001406261.8), dbSNP rs1436677639, ClinGen allele CA413662819.
Genomic context (GRCh38, chrX:74,739,411, plus strand): 5'-ACATGTCAACATACATACCACAAGGCATATTTTGAAAGAAATAAAACACAAACATCAAAT[G>C]TCTTTCTGGAAAATGCGAGTCTCTTCTTCAAACACAGGTAAAACCCAAAAGGTTGTTTCT-3'
Protein context (NP_001008537.1, residues 1505-1516): FEEETRIFQK[Asp1515Glu]I

ClinVar aggregate classification (germline): Uncertain significance (1 of 4 stars; one submission).

Submission:

Labcorp Genetics (formerly Invitae), Labcorp
Classification: Uncertain significance. Last evaluated: 2022-07-06. Review status: criteria provided, single submitter. Criteria: Invitae Variant Classification Sherloc (09022015). Collection method: clinical testing. Allele origin: germline.
Comment: This variant is not present in population databases (gnomAD no frequency). In summary, the available evidence is currently insufficient to determine the role of this variant in disease. Therefore, it has been classified as a Variant of Uncertain Significance. Algorithms developed to predict the effect of missense changes on protein structure and function are either unavailable or do not agree on the potential impact of this missense change (SIFT: "Tolerated"; PolyPhen-2: "Possibly Damaging"; Align-GVGD: "Class C0"). ClinVar contains an entry for this variant (Variation ID: 1406261). This variant has not been reported in the literature in individuals affected with NEXMIF-related conditions. This sequence change replaces aspartic acid, which is acidic and polar, with glutamic acid, which is acidic and polar, at codon 1515 of the NEXMIF protein (p.Asp1515Glu).